The following is an entry in ClinVar:

ClinVar aggregate classification (germline): Pathogenic (1 of 4 stars; one submission).

Conditions:
VPS13A-related neurodegenerative disease. Also called: ACANTHOCYTOSIS WITH NEUROLOGIC DISORDER; LEVINE-CRITCHLEY SYNDROME; Choreoacanthocytosis; Chorea-acanthocytosis; Choreaacanthocytosis; VPS13A Disease. Identifiers: Orphanet 2388, MedGen C0393576, MONDO:0008695, OMIM 200150.

Submission:

Myriad Genetics, Inc.
Classification: Pathogenic for VPS13A-related neurodegenerative disease. Last evaluated: 2024-05-14. Review status: criteria provided, single submitter. Criteria: Myriad Autosomal Dominant, Autosomal Recessive and X-Linked Classification Criteria (2023). Collection method: clinical testing. Allele origin: unknown.
Comment: NM_033305.2(VPS13A):c.4378del1ins18(D1460Rfs*19) is expected to be pathogenic in the context of VPS13A disease. This variant is predicted to lead to an abnormal or absent protein product due to the creation of a premature termination codon in VPS13A, a gene where loss-of-function variants are known to be pathogenic. Please note: this variant was assessed in the context of healthy population screening.

NM_033305.3(VPS13A):c.4378delinsCGACGATCACAGATGTGT (p.Asp1460fs)

Gene: VPS13A (vacuolar protein sorting 13 homolog A; plus strand). Cytogenetic location: 9q21.2.
Variant type: Indel.
Coding change: c.4378delinsCGACGATCACAGATGTGT on transcript NM_033305.3 (MANE Select); coding-DNA position 4378, G replaced by CGACGATCACAGATGTGT.
Protein change: p.Asp1460fs; shifts the reading frame from aspartic acid 1460.
Molecular consequence: frameshift variant.
Genome position (GRCh38, 1-based): chr9:77,314,630, G replaced by CGACGATCACAGATGTGT. VCF-style: chr9-77314630-G-CGACGATCACAGATGTGT. GRCh37 (hg19) VCF-style: chr9-79929546-G-CGACGATCACAGATGTGT.
Other names: c.4261delinsCGACGATCACAGATGTGT, p.Asp1421fs (NM_001018037.2); c.4378delinsCGACGATCACAGATGTGT, p.Asp1460fs (NM_001018038.3, NM_015186.4); short protein forms D1421fs, D1460fs.
Identifiers: ClinVar variation 5010354 (VCV005010354.1).
Genomic context (GRCh38, chr9:77,314,630, plus strand): 5'-AAAATGTATACAGATGGCTCAACATTTTCTTCCTTCTCATTAAAAAACTGTATTTTAGAT[G>CGACGATCACAGATGTGT]ATAAAAGACCTCATGTCAAGAAAGCAACTCCTCGGTATGTATTGTAATGATGTTCTAAGG-3'